The following is an entry in ClinVar:

NM_001384125.1(BLTP1):c.165T>C (p.Ile55=)

Gene: BLTP1 (bridge-like lipid transfer protein family member 1; plus strand). Cytogenetic location: 4q27.
Variant type: single nucleotide variant.
Coding change: c.165T>C on transcript NM_001384125.1 (MANE Select); coding-DNA position 165, T replaced by C.
Protein change: p.Ile55=; no amino-acid change (isoleucine 55 retained).
Molecular consequence: synonymous variant.
Genome position (GRCh38, 1-based): chr4:122,173,103, T>C. VCF-style: chr4-122173103-T-C. GRCh37 (hg19) VCF-style: chr4-123094258-T-C.
Other names: c.165T>C, p.Ile55= (NM_015312.4).
Identifiers: ClinVar variation 3044913 (VCV003044913.2), dbSNP rs2479139410, ClinGen allele CA440921679.
Genomic context (GRCh38, chr4:122,173,103, plus strand): 5'-TTTGTCCTGTGGATGGATTATTTACCTCACATATTATAATTCCCGGAATGTTGGTCTTAT[T>C]TTAACACTAGTTCTTAACAGATTATACAAGCATGGCTATATCCATATTGGTGAGTTTGAG-3'
Protein context (NP_001371054.1, residues 45-65): TYYNSRNVGL[Ile55=]LTLVLNRLYK

ClinVar aggregate classification (germline): Likely benign (0 of 4 stars; one submission).

Conditions:
BLTP1-related disorder. Also called: BLTP1-related condition.

Submission:

PreventionGenetics, part of Exact Sciences
Classification: Likely benign for BLTP1-related condition. Last evaluated: 2023-01-28. Review status: no assertion criteria provided. Collection method: clinical testing. Allele origin: germline.
Comment: This variant is classified as likely benign based on ACMG/AMP sequence variant interpretation guidelines (Richards et al. 2015 PMID: 25741868, with internal and published modifications).